The following is an entry in ClinVar:

ClinVar aggregate classification (germline): Uncertain significance (1 of 4 stars; one submission).

Conditions:
Early-infantile DEE. Also called: Ohtahara syndrome; Early infantile epileptic encephalopathy with suppression bursts; Early infantile epileptic encephalopathy. Identifiers: Orphanet 1934, MedGen C0393706, MONDO:0800491.

Submission:

Labcorp Genetics (formerly Invitae), Labcorp
Classification: Uncertain significance for Early-infantile DEE. Last evaluated: 2023-04-09. Review status: criteria provided, single submitter. Criteria: Invitae Variant Classification Sherloc (09022015). Collection method: clinical testing. Allele origin: germline.
Comment: In summary, the available evidence is currently insufficient to determine the role of this variant in disease. Therefore, it has been classified as a Variant of Uncertain Significance. This sequence change replaces phenylalanine, which is neutral and non-polar, with leucine, which is neutral and non-polar, at codon 420 of the HCN1 protein (p.Phe420Leu). This variant is not present in population databases (gnomAD no frequency). This variant has not been reported in the literature in individuals affected with HCN1-related conditions. Advanced modeling of protein sequence and biophysical properties (such as structural, functional, and spatial information, amino acid conservation, physicochemical variation, residue mobility, and thermodynamic stability) performed at Invitae indicates that this missense variant is expected to disrupt HCN1 protein function.

NM_021072.4(HCN1):c.1260C>G (p.Phe420Leu)

Gene: HCN1 (hyperpolarization activated cyclic nucleotide gated potassium channel 1; minus strand). Cytogenetic location: 5p12.
Variant type: single nucleotide variant.
Coding change: c.1260C>G on transcript NM_021072.4 (MANE Select); coding-DNA position 1260, C replaced by G.
Protein change: p.Phe420Leu; replaces phenylalanine 420 with leucine.
Molecular consequence: missense variant.
Genome position (GRCh38, 1-based): chr5:45,353,217, G>C on the plus strand (C>G on the coding strand, the complement: HCN1 is on the minus strand). VCF-style: chr5-45353217-G-C. GRCh37 (hg19) VCF-style: chr5-45353319-G-C.
Other names: short protein forms F420L.
Identifiers: ClinVar variation 2850962 (VCV002850962.3), dbSNP rs1423833153, ClinGen allele CA359702227.